The following is an entry in ClinVar:

NM_000179.3(MSH6):c.3144G>A (p.Gln1048=)

Gene: MSH6 (mutS homolog 6; plus strand). Cytogenetic location: 2p16.3.
Variant type: single nucleotide variant.
Coding change: c.3144G>A on transcript NM_000179.3 (MANE Select); coding-DNA position 3144, G replaced by A.
Protein change: p.Gln1048=; no amino-acid change (glutamine 1048 retained).
Molecular consequence: synonymous variant.
Genome position (GRCh38, 1-based): chr2:47,801,127, G>A. VCF-style: chr2-47801127-G-A. GRCh37 (hg19) VCF-style: chr2-48028266-G-A.
Other names: c.2754G>A, p.Gln918= (NM_001281492.2); c.2238G>A, p.Gln746= (NM_001281493.2, NM_001281494.2).
Identifiers: ClinVar variation 486912 (VCV000486912.17), dbSNP rs1173733811, ClinGen allele CA426122029.
Genomic context (GRCh38, chr2:47,801,127, plus strand): 5'-ATTGAAGGACTGCATGCGGCGACTGTTCTATAACTTTGATAAAAATTACAAGGACTGGCA[G>A]TCTGCTGTAGAGTGTATCGCAGTGTTGGGTAAGACTTTGAACAAGCTTGTTCTCAGGCTT-3'
Protein context (NP_000170.1, residues 1038-1058): YNFDKNYKDW[Gln1048=]SAVECIAVLD

ClinVar aggregate classification (germline): Benign/Likely benign. Review status: criteria provided, multiple submitters, no conflicts (2 of 4 stars). 3 submissions from 3 submitters: Benign (1); Likely benign (2). Last evaluated 2025-06-17.

Conditions:
Hereditary nonpolyposis colorectal neoplasms. Identifiers: MedGen C0009405, MeSH D003123.
Hereditary cancer-predisposing syndrome. Also called: Tumor predisposition; Hereditary Cancer Syndrome; Hereditary neoplastic syndrome; Neoplastic Syndromes, Hereditary. Identifiers: Orphanet 140162, MedGen C0027672, MeSH D009386, MONDO:0015356.
Lynch syndrome 5 (LYNCH5). Also called: Hereditary non-polyposis colorectal cancer, type 5; Colorectal cancer, hereditary nonpolyposis, type 5. Identifiers: Orphanet 144, MedGen C1833477, MONDO:0013710, OMIM 614350. Disease mechanism: loss of function.

Allele frequency attached by ClinVar (database versions not stated): gnomAD exomes below 0.00001.
gnomAD v4.1: 1 of 1,612,008 alleles (0.000062%); highest among the groups gnomAD compares: African/African-American, 0.0013%; no homozygotes.

Submissions (3):

Labcorp Genetics (formerly Invitae), Labcorp
Classification: Likely benign for Hereditary nonpolyposis colorectal neoplasms. Last evaluated: 2025-06-17. Review status: criteria provided, single submitter. Criteria: Invitae Variant Classification Sherloc (09022015). Collection method: clinical testing. Allele origin: germline.

Myriad Genetics, Inc.
Classification: Benign for Lynch syndrome 5. Last evaluated: 2025-01-03. Review status: criteria provided, single submitter. Criteria: Myriad Autosomal Dominant, Autosomal Recessive and X-Linked Classification Criteria (2023). Collection method: clinical testing. Allele origin: unknown.
Comment: This variant is considered benign. This variant is a silent/synonymous amino acid change and it is not expected to impact splicing.

Ambry Genetics
Classification: Likely benign for Hereditary cancer-predisposing syndrome. Last evaluated: 2017-05-31. Review status: criteria provided, single submitter. Criteria: Ambry Variant Classification Scheme 2023. Collection method: clinical testing. Allele origin: germline.